The following is an entry in ClinVar:

NM_001009999.3(KDM1A):c.1102C>T (p.Gln368Ter)

Gene: KDM1A (lysine demethylase 1A; plus strand). Cytogenetic location: 1p36.12.
Variant type: single nucleotide variant.
Coding change: c.1102C>T on transcript NM_001009999.3 (MANE Select); coding-DNA position 1102, C replaced by T.
Protein change: p.Gln368Ter; replaces glutamine 368 with a stop codon.
Molecular consequence: nonsense.
Genome position (GRCh38, 1-based): chr1:23,059,102, C>T. VCF-style: chr1-23059102-C-T. GRCh37 (hg19) VCF-style: chr1-23385595-C-T.
Other names: c.1042C>T, p.Gln348Ter (NM_015013.4, NM_001363654.2, NM_001410763.1); c.1102C>T, p.Gln368Ter (NM_001410762.1); short protein forms Q368*, Q348*.
Identifiers: ClinVar variation 2709682 (VCV002709682.3), dbSNP rs377748880, ClinGen allele CA338963775.

ClinVar aggregate classification (germline): Uncertain significance (1 of 4 stars; one submission).

Submission:

Labcorp Genetics (formerly Invitae), Labcorp
Classification: Uncertain significance. Last evaluated: 2024-01-16. Review status: criteria provided, single submitter. Criteria: Invitae Variant Classification Sherloc (09022015). Collection method: clinical testing. Allele origin: germline.
Comment: This sequence change creates a premature translational stop signal (p.Gln368*) in the KDM1A gene. It is expected to result in an absent or disrupted protein product. However, the current clinical and genetic evidence is not sufficient to establish whether loss-of-function variants in KDM1A cause disease. This variant is not present in population databases (gnomAD no frequency). This variant has not been reported in the literature in individuals affected with KDM1A-related conditions. In summary, the available evidence is currently insufficient to determine the role of this variant in disease. Therefore, it has been classified as a Variant of Uncertain Significance.